The following is an entry in ClinVar:

NM_002074.5(GNB1):c.217G>T (p.Ala73Ser)

Gene: GNB1 (G protein subunit beta 1; minus strand). Cytogenetic location: 1p36.33.
Variant type: single nucleotide variant.
Coding change: c.217G>T on transcript NM_002074.5 (MANE Select); coding-DNA position 217, G replaced by T.
Protein change: p.Ala73Ser; replaces alanine 73 with serine.
Molecular consequence: missense variant. On other transcripts: 5 prime UTR variant (1).
Genome position (GRCh38, 1-based): chr1:1,806,525, C>A on the plus strand (G>T on the coding strand, the complement: GNB1 is on the minus strand). VCF-style: chr1-1806525-C-A. GRCh37 (hg19) VCF-style: chr1-1737964-C-A.
Other names: c.-84G>T (NM_001282538.2); c.217G>T, p.Ala73Ser (NM_001282539.2); short protein forms A73S.
Identifiers: ClinVar variation 1518601 (VCV001518601.7), dbSNP rs2100726769, ClinGen allele CA337916490.
Genomic context (GRCh38, chr1:1,806,525, plus strand): 5'-CAGTCCCTACCTTGTTGGTGGTGTAGCTGTCCCAGATGATAAGTTTACCATCCTGCGAGG[C>A]ACTGACGAGAAGCCTGGAGGGACAGACAAAAGCAAACCTATCAGTACCGCACAACACAGA-3'
Protein context (NP_002065.1, residues 63-83): WGTDSRLLVS[Ala73Ser]SQDGKLIIWD

ClinVar aggregate classification (germline): Pathogenic/Likely pathogenic. Review status: criteria provided, multiple submitters, no conflicts (2 of 4 stars). 2 submissions from 2 submitters: Pathogenic (1); Likely pathogenic (1). Last evaluated 2025-02-05.

Conditions:
Intellectual developmental disorder, autosomal dominant 42. Also called: GNB1 Encephalopathy; Intellectual disability, autosomal dominant 42; Global developmental delay-neuro-ophthalmological abnormalities-seizures-intellectual disability syndrome. Identifiers: Orphanet 488613, MedGen C4310774, MONDO:0014855, OMIM 616973.

Submissions (2):

Institute of Immunology and Genetics Kaiserslautern
Classification: Pathogenic for Intellectual developmental disorder, autosomal dominant 42. Last evaluated: 2025-02-05. Review status: criteria provided, single submitter. Criteria: ACMG Guidelines, 2015. Collection method: clinical testing. Allele origin: de novo. Affected: yes.
Comment: ACMG Criteria: PS2, PM1, PM2, PM5_P, PP5; Variant was found in heterozygous state. De novo-status was confirmed via in-house segregation analysis.

Labcorp Genetics (formerly Invitae), Labcorp
Classification: Likely pathogenic. Last evaluated: 2022-10-13. Review status: criteria provided, single submitter. Criteria: Invitae Variant Classification Sherloc (09022015). Collection method: clinical testing. Allele origin: germline.
Comment: In summary, the currently available evidence indicates that the variant is pathogenic, but additional data are needed to prove that conclusively. Therefore, this variant has been classified as Likely Pathogenic. Advanced modeling of protein sequence and biophysical properties (such as structural, functional, and spatial information, amino acid conservation, physicochemical variation, residue mobility, and thermodynamic stability) performed at Invitae indicates that this missense variant is not expected to disrupt GNB1 protein function. ClinVar contains an entry for this variant (Variation ID: 1518601). This missense change has been observed in individual(s) with clinical features of GNB1-related conditions (Invitae). In at least one individual the variant was observed to be de novo. This variant is not present in population databases (gnomAD no frequency). This sequence change replaces alanine, which is neutral and non-polar, with serine, which is neutral and polar, at codon 73 of the GNB1 protein (p.Ala73Ser).